The following is an entry in ClinVar:

NM_016360.4(TACO1):c.516-90A>G

Gene: TACO1 (translational activator of cytochrome c oxidase I; plus strand). Cytogenetic location: 17q23.3.
Variant type: single nucleotide variant.
Coding change: c.516-90A>G on transcript NM_016360.4 (MANE Select); 90 bases into the intron before coding-DNA position 516, A replaced by G.
Molecular consequence: intron variant.
Genome position (GRCh38, 1-based): chr17:63,607,197, A>G. VCF-style: chr17-63607197-A-G. GRCh37 (hg19) VCF-style: chr17-61684557-A-G.
Identifiers: ClinVar variation 676775 (VCV000676775.2), dbSNP rs16969349, ClinGen allele CA14489417.

ClinVar aggregate classification (germline): Benign. Review status: criteria provided, multiple submitters, no conflicts (2 of 4 stars). 2 submissions from 2 submitters: Benign (2). Last evaluated 2018-06-16.

Allele frequency attached by ClinVar (database versions not stated): gnomAD exomes 0.00855; gnomAD 0.08346 and 0.08947; 1000 Genomes Project 0.09465; TOPMed 0.09547; 1000 Genomes Project 30x 0.10103.
gnomAD v4.1: 22,040 of 1,186,910 alleles (1.9%); highest among the groups gnomAD compares: African/African-American, 29%; 2,818 homozygotes.

Submissions (2):

GeneDx
Classification: Benign. Last evaluated: 2018-06-16. Review status: criteria provided, single submitter. Criteria: GeneDx Variant Classification (06012015). Collection method: clinical testing. Allele origin: germline. Affected: yes.
Comment: This variant is considered likely benign or benign based on one or more of the following criteria: it is a conservative change, it occurs at a poorly conserved position in the protein, it is predicted to be benign by multiple in silico algorithms, and/or has population frequency not consistent with disease.

Breakthrough Genomics
Classification: Benign. Review status: criteria provided, single submitter. Criteria: ACMG Guidelines, 2015. Collection method: not provided. Allele origin: germline. Inheritance: Autosomal recessive inheritance. Affected: yes.